The following is an entry in ClinVar:

NM_014363.6(SACS):c.821C>T (p.Pro274Leu)

Gene: SACS (sacsin molecular chaperone; minus strand). Cytogenetic location: 13q12.12.
Variant type: single nucleotide variant.
Coding change: c.821C>T on transcript NM_014363.6 (MANE Select); coding-DNA position 821, C replaced by T.
Protein change: p.Pro274Leu; replaces proline 274 with leucine.
Molecular consequence: missense variant.
Genome position (GRCh38, 1-based): chr13:23,355,791, G>A on the plus strand (C>T on the coding strand, the complement: SACS is on the minus strand). VCF-style: chr13-23355791-G-A. GRCh37 (hg19) VCF-style: chr13-23929930-G-A.
Other names: c.380C>T, p.Pro127Leu (NM_001278055.2); short protein forms P127L, P274L.
Identifiers: ClinVar variation 3896367 (VCV003896367.2).

ClinVar aggregate classification (germline): Likely pathogenic (1 of 4 stars; one submission).

Conditions:
Charlevoix-Saguenay spastic ataxia (SACS). Also called: Spastic ataxia of Charlevoix-Saguenay; SPASTIC ATAXIA 6, AUTOSOMAL RECESSIVE; AUTOSOMAL RECESSIVE SPASTIC ATAXIA OF CHARLEVOIX-SAGUENAY. Identifiers: Orphanet 98, MedGen C1849140, MONDO:0010041, OMIM 270550.

Submission:

Women's Health and Genetics/Laboratory Corporation of America, LabCorp
Classification: Likely pathogenic for Charlevoix-Saguenay spastic ataxia. Last evaluated: 2025-04-09. Review status: criteria provided, single submitter. Criteria: LabCorp Variant Classification Summary - May 2015. Collection method: clinical testing. Allele origin: germline.
Comment: Variant summary: SACS c.821C>T (p.Pro274Leu) results in a non-conservative amino acid change in the encoded protein sequence. Four of four in-silico tools predict a damaging effect of the variant on protein function. The variant was absent in 251444 control chromosomes (gnomAD). The variant, c.821C>T, has been found in two unrelated compound heterozygous individuals with clinical features of Charlevoix-Saguenay spastic ataxia (internal LCA cases); both individuals carried a second pathogenic variant, and in one of these cases the other variant was confirmed to be on the other allele (i.e. in trans). These data indicate that the variant is likely associated with disease. To our knowledge, no experimental evidence demonstrating an impact on protein function has been reported. No submitters have cited clinical-significance assessments for this variant to ClinVar. Based on the evidence outlined above, the variant was classified as likely pathogenic.